The following is an entry in ClinVar:

NM_004517.4(ILK):c.527G>A (p.Arg176Gln)

Genes: ILK (integrin linked kinase; plus strand), TAF10 (TATA-box binding protein associated factor 10; minus strand). Cytogenetic location: 11p15.4.
Variant type: single nucleotide variant.
Coding change: c.527G>A on transcript NM_004517.4 (MANE Select); coding-DNA position 527, G replaced by A.
Protein change: p.Arg176Gln; replaces arginine 176 with glutamine.
Molecular consequence: missense variant. On other transcripts: 3 prime UTR variant (1).
Genome position (GRCh38, 1-based): chr11:6,608,962, G>A. VCF-style: chr11-6608962-G-A. GRCh37 (hg19) VCF-style: chr11-6630193-G-A.
Other names: c.527G>A, p.Arg176Gln (NM_001014795.3, NM_001014794.3); c.430G>A, p.Gly144Ser (NM_001278441.2); c.125G>A, p.Arg42Gln (NM_001278442.2); c.*1960C>T (NM_006284.4); short protein forms R176Q, R42Q, G144S.
Identifiers: ClinVar variation 2723311 (VCV002723311.3), dbSNP rs1282667873, ClinGen allele CA379460193.

ClinVar aggregate classification (germline): Uncertain significance (1 of 4 stars; one submission).

Conditions:
Primary familial hypertrophic cardiomyopathy (HCM). Identifiers: Orphanet 99739, MedGen C0949658, MeSH D024741, MONDO:0024573. Inheritance: Various modes of inheritance.

Allele frequency attached by ClinVar (database versions not stated): TOPMed below 0.00001; gnomAD 0.00001.
gnomAD v4.1: 4 of 1,613,990 alleles (0.00025%); highest among the groups gnomAD compares: African/African-American, 0.0013%; no homozygotes.

Submission:

Labcorp Genetics (formerly Invitae), Labcorp
Classification: Uncertain significance for Primary familial hypertrophic cardiomyopathy. Last evaluated: 2023-12-05. Review status: criteria provided, single submitter. Criteria: Invitae Variant Classification Sherloc (09022015). Collection method: clinical testing. Allele origin: germline.
Comment: This sequence change replaces arginine, which is basic and polar, with glutamine, which is neutral and polar, at codon 176 of the ILK protein (p.Arg176Gln). This variant is not present in population databases (gnomAD no frequency). This variant has not been reported in the literature in individuals affected with ILK-related conditions. An algorithm developed to predict the effect of missense changes on protein structure and function (PolyPhen-2) suggests that this variant is likely to be tolerated. In summary, the available evidence is currently insufficient to determine the role of this variant in disease. Therefore, it has been classified as a Variant of Uncertain Significance.